The following is an entry in ClinVar:

NM_000080.4(CHRNE):c.316_317del (p.Trp106fs)

Genes: C17orf107 (chromosome 17 open reading frame 107; plus strand), CHRNE (cholinergic receptor nicotinic epsilon subunit; minus strand). Cytogenetic location: 17p13.2.
Variant type: Microsatellite.
Coding change: c.316_317del on transcript NM_000080.4 (MANE Select); coding-DNA positions 316 to 317, 2 bases deleted (TG; older notation c.316_317delTG).
Protein change: p.Trp106fs; shifts the reading frame from tryptophan 106.
Molecular consequence: frameshift variant. On other transcripts: 3 prime UTR variant (1).
Genome position (GRCh38, 1-based): chr17:4,902,244-4,902,245, CA deleted on the plus strand (TG on the coding strand, the reverse complement: CHRNE is on the minus strand); deleting any 2 consecutive bases within chr17:4,902,244-4,902,248 gives the same sequence; the c. name uses the placement nearest the transcript's 3' end. VCF-style (leftmost placement, unchanged base first): chr17-4902243-CCA-C. GRCh37 (hg19) VCF-style: chr17-4805538-CCA-C.
Other names: c.*1712AC[1] (NM_001145536.2); short protein forms W106fs.
Identifiers: ClinVar variation 1353344 (VCV001353344.6), dbSNP rs2151098538, ClinGen allele CA2580613965.

ClinVar aggregate classification (germline): Pathogenic (1 of 4 stars; one submission).

Conditions:
Congenital myasthenic syndrome 4A. Also called: CONGENITAL MYASTHENIC SYNDROME TYPE Ia1; Myasthenic syndrome, congenital, 4a, slow-channel; MYASTHENIC SYNDROME, CONGENITAL, 4A, SLOW-CHANNEL, AUTOSOMAL RECESSIVE. Identifiers: Orphanet 590, MedGen C4225413, MONDO:0011600, OMIM 605809.

Submission:

Labcorp Genetics (formerly Invitae), Labcorp
Classification: Pathogenic for Congenital myasthenic syndrome 4A. Last evaluated: 2020-11-15. Review status: criteria provided, single submitter. Criteria: Invitae Variant Classification Sherloc (09022015). Collection method: clinical testing. Allele origin: germline.
Comment: This variant has not been reported in the literature in individuals with CHRNE-related conditions. For these reasons, this variant has been classified as Pathogenic. This variant is not present in population databases (ExAC no frequency). This sequence change creates a premature translational stop signal (p.Trp106Alafs*11) in the CHRNE gene. It is expected to result in an absent or disrupted protein product. Loss-of-function variants in CHRNE are known to be pathogenic (PMID: 22678886).

Literature cited by the submitters: PubMed 22678886.